The following is an entry in ClinVar:

NM_000135.4(FANCA):c.3066+3_3066+9delinsCC

Gene: FANCA (FA complementation group A; minus strand). Cytogenetic location: 16q24.3.
Variant type: Indel.
Coding change: c.3066+3_3066+9delinsCC on transcript NM_000135.4 (MANE Select); bases 3 to 9 of the intron after coding-DNA position 3066, GAGTTTG replaced by CC.
Molecular consequence: intron variant.
Genome position (GRCh38, 1-based): chr16:89,752,129-89,752,135, CAAACTC replaced by GG on the plus strand (GAGTTTG replaced by CC on the coding strand, the reverse complement: FANCA is on the minus strand). VCF-style: chr16-89752129-CAAACTC-GG. GRCh37 (hg19) VCF-style: chr16-89818537-CAAACTC-GG.
Other names: c.3066+3_3066+9delinsCC (NM_001286167.3).
Identifiers: ClinVar variation 966900 (VCV000966900.6), dbSNP rs2038616017, ClinGen allele CA1139665037.

ClinVar aggregate classification (germline): Uncertain significance (1 of 4 stars; one submission).

Conditions:
Fanconi anemia (FA). Also called: Fanconi's anemia. Identifiers: Orphanet 84, MedGen C0015625, MeSH D005199, MONDO:0019391.

Submission:

Labcorp Genetics (formerly Invitae), Labcorp
Classification: Uncertain significance for Fanconi anemia. Last evaluated: 2019-10-23. Review status: criteria provided, single submitter. Criteria: Invitae Variant Classification Sherloc (09022015). Collection method: clinical testing. Allele origin: germline.
Comment: In summary, the available evidence is currently insufficient to determine the role of this variant in disease. Therefore, it has been classified as a Variant of Uncertain Significance. Nucleotide substitutions within the consensus splice site are a relatively common cause of aberrant splicing (PMID: 17576681, 9536098). Algorithms developed to predict the effect of sequence changes on RNA splicing suggest that this variant may disrupt the consensus splice site, but this prediction has not been confirmed by published transcriptional studies. This variant has not been reported in the literature in individuals with FANCA-related conditions. This variant is not present in population databases (ExAC no frequency). This sequence change falls in intron 31 of the FANCA gene. It does not directly change the encoded amino acid sequence of the FANCA protein, but it affects a nucleotide within the consensus splice site of the intron.

Literature cited by the submitters: PubMed 17576681; PubMed 9536098.